The following is an entry in ClinVar:

NM_001042492.3(NF1):c.5273_5276dup (p.Thr1760fs)

Gene: NF1 (neurofibromin 1; plus strand). Cytogenetic location: 17q11.2.
Variant type: Duplication.
Coding change: c.5273_5276dup on transcript NM_001042492.3 (MANE Select); coding-DNA positions 5273 to 5276, 4 bases duplicated (GTTC; older notation c.5273_5276dupGTTC).
Protein change: p.Thr1760fs; shifts the reading frame from threonine 1760.
Molecular consequence: frameshift variant.
Genome position (GRCh38, 1-based): chr17:31,327,503-31,327,506, GTTC duplicated. VCF-style (leftmost placement, unchanged base first): chr17-31327502-G-GGTTC. GRCh37 (hg19) VCF-style: chr17-29654520-G-GGTTC.
Other names: c.5210_5213dup, p.Thr1739Phefs (NM_000267.4); short protein forms T1760fs, T1739fs.
Identifiers: ClinVar variation 1452664 (VCV001452664.6), dbSNP rs2151540775, ClinGen allele CA2573153399.

ClinVar aggregate classification (germline): Pathogenic (1 of 4 stars; one submission).

Conditions:
Neurofibromatosis, type 1 (NF1). Also called: Neurofibromatosis, type I; VON RECKLINGHAUSEN DISEASE; NEUROFIBROMATOSIS, TYPE I, SOMATIC; Peripheral type neurofibromatosis. Identifiers: Orphanet 636, MedGen C0027831, MONDO:0018975, OMIM 162200. Disease mechanism: loss of function.

Submission:

Labcorp Genetics (formerly Invitae), Labcorp
Classification: Pathogenic for Neurofibromatosis, type 1. Last evaluated: 2020-10-22. Review status: criteria provided, single submitter. Criteria: Invitae Variant Classification Sherloc (09022015). Collection method: clinical testing. Allele origin: germline.
Comment: This sequence change creates a premature translational stop signal (p.Thr1739Phefs*23) in the NF1 gene. It is expected to result in an absent or disrupted protein product. Loss-of-function variants in NF1 are known to be pathogenic (PMID: 10712197, 23913538). This variant is not present in population databases (ExAC no frequency). This variant has not been reported in the literature in individuals with NF1-related conditions. For these reasons, this variant has been classified as Pathogenic.

Literature cited by the submitters: PubMed 10712197; PubMed 23913538.